The following is an entry in ClinVar:

ClinVar aggregate classification (germline): Uncertain significance (1 of 4 stars; one submission).

Conditions:
Nephronophthisis 15 (NPHP15). Identifiers: Orphanet 3156, MedGen C3541853, MONDO:0013917, OMIM 614845.

Submission:

Labcorp Genetics (formerly Invitae), Labcorp
Classification: Uncertain significance for Nephronophthisis 15. Last evaluated: 2021-07-26. Review status: criteria provided, single submitter. Criteria: Invitae Variant Classification Sherloc (09022015). Collection method: clinical testing. Allele origin: germline.
Comment: In summary, the available evidence is currently insufficient to determine the role of this variant in disease. Therefore, it has been classified as a Variant of Uncertain Significance. Algorithms developed to predict the effect of missense changes on protein structure and function are either unavailable or do not agree on the potential impact of this missense change (SIFT: "Deleterious"; PolyPhen-2: "Probably Damaging"; Align-GVGD: "Class C0"). This variant has not been reported in the literature in individuals affected with CEP164-related conditions. This variant is not present in population databases (ExAC no frequency). This sequence change replaces lysine with methionine at codon 116 of the CEP164 protein (p.Lys116Met). The lysine residue is highly conserved and there is a moderate physicochemical difference between lysine and methionine.

NM_014956.5(CEP164):c.347A>T (p.Lys116Met)

Gene: CEP164 (centrosomal protein 164; plus strand). Cytogenetic location: 11q23.3.
Variant type: single nucleotide variant.
Coding change: c.347A>T on transcript NM_014956.5 (MANE Select); coding-DNA position 347, A replaced by T.
Protein change: p.Lys116Met; replaces lysine 116 with methionine.
Molecular consequence: missense variant.
Genome position (GRCh38, 1-based): chr11:117,351,942, A>T. VCF-style: chr11-117351942-A-T. GRCh37 (hg19) VCF-style: chr11-117222658-A-T.
Other names: c.347A>T, p.Lys116Met (NM_001271933.2); short protein forms K116M.
Identifiers: ClinVar variation 1368229 (VCV001368229.8), dbSNP rs867484690, ClinGen allele CA382726153.
Genomic context (GRCh38, chr11:117,351,942, plus strand): 5'-TGATCCAAGAGCGGGCAAAGCTGTCAACTTCTGGGGCCATTAAGAAGAAGAAAAAAAAAA[A>T]GGAAAAGAAAGACAAGAAGGACAGAGACCCCCCCAAAAGTTCGCTGGTGAGTCAGTGGAT-3'
Protein context (NP_055771.4, residues 106-126): SGAIKKKKKK[Lys116Met]EKKDKKDRDP